The following is an entry in ClinVar:

ClinVar aggregate classification (germline): Uncertain significance (1 of 4 stars; one submission).

Conditions:
Microphthalmia, isolated, with coloboma 6 (MCOPCB6). Also called: MICROPHTHALMIA/COLOBOMA 6; Microphthalmia with coloboma 6, digenic; Microphthalmia with coloboma 6. Identifiers: Orphanet 98938, MedGen C3150968, MONDO:0013376, OMIM 613703.
Isolated microphthalmia 4. Identifiers: Orphanet 2542, MedGen C2751307, MONDO:0013130, OMIM 613094.
Leber congenital amaurosis 17 (LCA17). Identifiers: Orphanet 65, MedGen C3715164, MONDO:0014145, OMIM 615360.
Klippel-Feil syndrome 1, autosomal dominant (KFS1). Also called: CERVICAL VERTEBRAL FUSION, AUTOSOMAL DOMINANT. Identifiers: Orphanet 2345, MedGen C1861689, MONDO:0007306, OMIM 118100.

Submission:

Labcorp Genetics (formerly Invitae), Labcorp
Classification: Uncertain significance for Isolated microphthalmia 4; Leber congenital amaurosis 17; Klippel-Feil syndrome 1, autosomal dominant; Microphthalmia, isolated, with coloboma 6. Last evaluated: 2024-11-12. Review status: criteria provided, single submitter. Criteria: Invitae Variant Classification Sherloc (09022015). Collection method: clinical testing. Allele origin: germline.
Comment: This sequence change creates a premature translational stop signal (p.Gln228*) in the GDF6 gene. While this is not anticipated to result in nonsense mediated decay, it is expected to disrupt the last 228 amino acid(s) of the GDF6 protein. This variant is not present in population databases (gnomAD no frequency). This variant has not been reported in the literature in individuals affected with GDF6-related conditions. ClinVar contains an entry for this variant (Variation ID: 2127640). Experimental studies and prediction algorithms are not available or were not evaluated, and the functional significance of this variant is currently unknown. In summary, the available evidence is currently insufficient to determine the role of this variant in disease. Therefore, it has been classified as a Variant of Uncertain Significance.

NM_001001557.4(GDF6):c.682C>T (p.Gln228Ter)

Gene: GDF6 (growth differentiation factor 6; minus strand). Cytogenetic location: 8q22.1.
Variant type: single nucleotide variant.
Coding change: c.682C>T on transcript NM_001001557.4 (MANE Select); coding-DNA position 682, C replaced by T.
Protein change: p.Gln228Ter; replaces glutamine 228 with a stop codon.
Molecular consequence: nonsense.
Genome position (GRCh38, 1-based): chr8:96,145,249, G>A on the plus strand (C>T on the coding strand, the complement: GDF6 is on the minus strand). VCF-style: chr8-96145249-G-A. GRCh37 (hg19) VCF-style: chr8-97157477-G-A.
Other names: short protein forms Q228*.
Identifiers: ClinVar variation 2127640 (VCV002127640.4), dbSNP rs2130207478, ClinGen allele CA371752080.